The following is an entry in ClinVar:

NM_177559.3(CSNK2A1):c.916C>T (p.Arg306Ter)

Gene: CSNK2A1 (casein kinase 2 alpha 1; minus strand). Cytogenetic location: 20p13.
Variant type: single nucleotide variant.
Coding change: c.916C>T on transcript NM_177559.3 (MANE Select); coding-DNA position 916, C replaced by T.
Protein change: p.Arg306Ter; replaces arginine 306 with a stop codon.
Molecular consequence: nonsense.
Genome position (GRCh38, 1-based): chr20:487,484, G>A on the plus strand (C>T on the coding strand, the complement: CSNK2A1 is on the minus strand). VCF-style: chr20-487484-G-A. GRCh37 (hg19) VCF-style: chr20-468128-G-A.
Other names: c.916C>T (NM_001895.3); c.916C>T, p.Arg306Ter (NM_001362770.2, NM_001362771.2, NM_001895.4); c.508C>T, p.Arg170Ter (NM_177560.3); short protein forms R170*, R306*.
Identifiers: ClinVar variation 1334752 (VCV001334752.7), dbSNP rs1380843831, ClinGen allele CA407924441.

ClinVar aggregate classification (germline): Pathogenic/Likely pathogenic. Review status: criteria provided, multiple submitters, no conflicts (2 of 4 stars). 3 submissions from 3 submitters: Pathogenic (2); Likely pathogenic (1). Last evaluated 2025-12-03.

Conditions:
Okur-Chung neurodevelopmental syndrome (OCNDS). Identifiers: Orphanet 689422, MedGen C4310739, MONDO:0014893, OMIM 617062.

Submissions (3):

3billion
Classification: Pathogenic for Okur-Chung neurodevelopmental syndrome. Last evaluated: 2025-12-03. Review status: criteria provided, single submitter. Criteria: ACMG Guidelines, 2015. Collection method: clinical testing. Allele origin: germline. Affected: yes.
Comment: The variant is not observed in the gnomAD v4.1.0 dataset. Predicted Consequence/Location: Stop-gained (nonsense): predicted to result in a loss or disruption of normal protein function through nonsense-mediated decay (NMD) or protein truncation. Multiple pathogenic variants are reported downstream of the variant. The variant has been previously reported as assumed (i.e. paternity and maternity not confirmed) de novo in at least one similarly affected unrelated individual (PMID: 33004838). The variant has been reported at least twice as pathogenic without evidence for the classification (ClinVar ID: VCV001334752). Therefore, this variant is classified as Pathogenic according to the recommendation of ACMG/AMP guideline.

GeneDx
Classification: Pathogenic. Last evaluated: 2022-09-28. Review status: criteria provided, single submitter. Criteria: GeneDx Variant Classification Process June 2021. Collection method: clinical testing. Allele origin: germline.
Comment: Nonsense variant predicted to result in protein truncation or nonsense mediated decay in a gene for which loss of function is a known mechanism of disease; Not observed in large population cohorts (gnomAD); This variant is associated with the following publications: (PMID: 33004838)

Greenwood Genetic Center Diagnostic Laboratories, Greenwood Genetic Center
Classification: Likely pathogenic for Okur-Chung neurodevelopmental syndrome. Last evaluated: 2021-06-10. Review status: criteria provided, single submitter. Criteria: ACMG Guidelines, 2015. Collection method: clinical testing. Allele origin: germline. Affected: yes.
Comment: PVS1, PM2

Literature cited by the submitters: PubMed 33004838 (cited by 3billion).